The following is an entry in ClinVar:

NM_001267550.2(TTN):c.71268T>C (p.Gly23756=)

Genes: TTN (titin; minus strand), TTN-AS1 (TTN antisense RNA 1; plus strand). Cytogenetic location: 2q31.2.
Variant type: single nucleotide variant.
Coding change: c.71268T>C on transcript NM_001267550.2 (MANE Select); coding-DNA position 71268, T replaced by C.
Protein change: p.Gly23756=; no amino-acid change (glycine 23756 retained).
Molecular consequence: synonymous variant.
Genome position (GRCh38, 1-based): chr2:178,574,864, A>G on the plus strand (T>C on the coding strand, the complement: TTN is on the minus strand). VCF-style: chr2-178574864-A-G. GRCh37 (hg19) VCF-style: chr2-179439591-A-G.
Other names: c.66345T>C, p.Gly22115= (NM_001256850.1); c.44073T>C, p.Gly14691= (NM_003319.4); c.63564T>C, p.Gly21188= (NM_133378.4); c.44448T>C, p.Gly14816= (NM_133432.3); c.44649T>C, p.Gly14883= (NM_133437.4).
Identifiers: ClinVar variation 2690391 (VCV002690391.4), dbSNP rs1709508227, ClinGen allele CA430257674.

ClinVar aggregate classification (germline): Uncertain significance. Review status: criteria provided, single submitter (1 of 4 stars). 2 submissions from 2 submitters: Uncertain significance (1). 1 of the submissions does not count toward it. Last evaluated 2023-06-22.

Conditions:
TTN-related disorder. Also called: TTN-related condition; TTN-related disease; TTN-related disorders.

Submissions (2):

Revvity Omics, Revvity
Classification: Uncertain significance. Last evaluated: 2023-06-22. Review status: criteria provided, single submitter. Criteria: ACMG Guidelines, 2015. Collection method: clinical testing. Allele origin: germline.

PreventionGenetics, part of Exact Sciences
Classification: Likely benign for TTN-related condition. Last evaluated: 2023-06-14. Review status: no assertion criteria provided. Collection method: clinical testing. Allele origin: germline. Not counted in ClinVar's aggregate classification.
Comment: This variant is classified as likely benign based on ACMG/AMP sequence variant interpretation guidelines (Richards et al. 2015 PMID: 25741868, with internal and published modifications).